The following is an entry in ClinVar:

ClinVar aggregate classification (germline): Benign. Review status: criteria provided, multiple submitters, no conflicts (2 of 4 stars). 5 submissions from 5 submitters: Benign (5). Last evaluated 2026-02-03.

Conditions:
COG5-congenital disorder of glycosylation. Also called: CONGENITAL DISORDER OF GLYCOSYLATION, TYPE IIi; CDG IIi; COG5-CDG. Identifiers: Orphanet 263487, MedGen C3150876, MONDO:0013325, OMIM 613612.

Allele frequency attached by ClinVar (database versions not stated): 1000 Genomes Project 0.01378; 1000 Genomes Project 30x 0.01515; TOPMed 0.02975; ExAC 0.03150; gnomAD 0.03197 and 0.03303; gnomAD exomes 0.03222 and 0.03847; ESP Exome Variant Server 0.03375.
gnomAD v4.1: 60,741 of 1,610,482 alleles (3.8%); highest among the groups gnomAD compares: Non-Finnish European, 4.3%; 1,325 homozygotes.

Submissions (5):

Labcorp Genetics (formerly Invitae), Labcorp
Classification: Benign for COG5-congenital disorder of glycosylation. Last evaluated: 2026-02-03. Review status: criteria provided, single submitter. Criteria: Invitae Variant Classification Sherloc (09022015). Collection method: clinical testing. Allele origin: germline.

Illumina Laboratory Services, Illumina
Classification: Benign for COG5-congenital disorder of glycosylation. Last evaluated: 2018-01-13. Review status: criteria provided, single submitter. Criteria: ICSL Variant Classification Criteria 13 December 2019. Collection method: clinical testing. Allele origin: germline.
Comment: This variant was observed in the ICSL laboratory as part of a predisposition screen in an ostensibly healthy population. It had not been previously curated by ICSL or reported in the Human Gene Mutation Database (HGMD: prior to June 1st, 2018), and was therefore a candidate for classification through an automated scoring system. Utilizing variant allele frequency, disease prevalence and penetrance estimates, and inheritance mode, an automated score was calculated to assess if this variant is too frequent to cause the disease. Based on the score and internal cut-off values, a variant classified as benign is not then subjected to further curation. The score for this variant resulted in a classification of benign for this disease.

Mayo Clinic Laboratories, Mayo Clinic
Classification: Benign. Last evaluated: 2017-12-22. Review status: criteria provided, single submitter. Criteria: ACMG Guidelines, 2015. Collection method: clinical testing. Allele origin: germline. Observed: 6 variant alleles.

GeneDx
Classification: Benign. Last evaluated: 2016-01-25. Review status: criteria provided, single submitter. Criteria: GeneDx Variant Classification (06012015). Collection method: clinical testing. Allele origin: germline. Affected: yes.
Comment: This variant is considered likely benign or benign based on one or more of the following criteria: it is a conservative change, it occurs at a poorly conserved position in the protein, it is predicted to be benign by multiple in silico algorithms, and/or has population frequency not consistent with disease.

Breakthrough Genomics
Classification: Benign. Review status: criteria provided, single submitter. Criteria: ACMG Guidelines, 2015. Collection method: not provided. Allele origin: germline. Inheritance: Autosomal recessive inheritance. Affected: yes.

NM_006348.5(COG5):c.1827C>T (p.Ile609=)

Gene: COG5 (component of oligomeric golgi complex 5; minus strand). Cytogenetic location: 7q22.3.
Variant type: single nucleotide variant.
Coding change: c.1827C>T on transcript NM_006348.5 (MANE Select); coding-DNA position 1827, C replaced by T.
Protein change: p.Ile609=; no amino-acid change (isoleucine 609 retained).
Molecular consequence: synonymous variant.
Genome position (GRCh38, 1-based): chr7:107,248,422, G>A on the plus strand (C>T on the coding strand, the complement: COG5 is on the minus strand). VCF-style: chr7-107248422-G-A. GRCh37 (hg19) VCF-style: chr7-106888867-G-A.
Other names: p.Ile640=; c.1827C>T, p.Ile609= (NM_001161520.2, NM_001379513.1, NM_001379514.1); c.1665C>T, p.Ile555= (NM_001379511.1); c.1653C>T, p.Ile551= (NM_001379512.1); c.1257C>T, p.Ile419= (NM_001379515.1); c.1113C>T, p.Ile371= (NM_001379516.1); c.1764C>T, p.Ile588= (NM_181733.4).
Identifiers: ClinVar variation 358456 (VCV000358456.16), dbSNP rs35581984, ClinGen allele CA4430772.